The following is an entry in ClinVar:

ClinVar aggregate classification (germline): Uncertain significance. Review status: criteria provided, multiple submitters, no conflicts (2 of 4 stars). 4 submissions from 4 submitters: Uncertain significance (4). Last evaluated 2025-12-01.

Conditions:
Cardiovascular phenotype. Identifiers: MedGen CN230736.
Alstrom syndrome (ALMS). Identifiers: Orphanet 64, MedGen C0268425, MONDO:0008763, OMIM 203800.

Allele frequency attached by ClinVar (database versions not stated): gnomAD exomes 0.00001 and 0.00002; ExAC 0.00002; gnomAD 0.00002; TOPMed 0.00002.
gnomAD v4.1: 25 of 1,613,860 alleles (0.0015%); highest among the groups gnomAD compares: South Asian, 0.0022%; no homozygotes.

Submissions (4):

Labcorp Genetics (formerly Invitae), Labcorp
Classification: Uncertain significance for Alstrom syndrome. Last evaluated: 2025-12-01. Review status: criteria provided, single submitter. Criteria: Invitae Variant Classification Sherloc (09022015). Collection method: clinical testing. Allele origin: germline.
Comment: This sequence change replaces threonine, which is neutral and polar, with isoleucine, which is neutral and non-polar, at codon 1183 of the ALMS1 protein (p.Thr1183Ile). This variant is present in population databases (rs778965893, gnomAD 0.004%). This variant has not been reported in the literature in individuals affected with ALMS1-related conditions. ClinVar contains an entry for this variant (Variation ID: 1374502). Experimental studies and prediction algorithms are not available or were not evaluated, and the functional significance of this variant is currently unknown. In summary, the available evidence is currently insufficient to determine the role of this variant in disease. Therefore, it has been classified as a Variant of Uncertain Significance.

Blueprint Genetics
Classification: Uncertain significance. Last evaluated: 2024-11-11. Review status: criteria provided, single submitter. Criteria: ACMG Guidelines, 2015. Collection method: clinical testing. Allele origin: germline.

Ambry Genetics
Classification: Uncertain significance for Cardiovascular phenotype. Last evaluated: 2022-07-11. Review status: criteria provided, single submitter. Criteria: Ambry Variant Classification Scheme 2023. Collection method: clinical testing. Allele origin: germline.
Comment: The p.T1183I variant (also known as c.3548C>T), located in coding exon 8 of the ALMS1 gene, results from a C to T substitution at nucleotide position 3548. The threonine at codon 1183 is replaced by isoleucine, an amino acid with similar properties. This alteration have been reported in a control population in an Alstr&ouml;m syndrome cohort (Zmyslowska A et al. Clin Genet, 2016 Apr;89:448-453). This amino acid position is not well conserved in available vertebrate species. In addition, this alteration is predicted to be tolerated by in silico analysis. Since supporting evidence is limited at this time, the clinical significance of this alteration remains unclear.

Fulgent Genetics
Classification: Uncertain significance for Alstrom syndrome. Last evaluated: 2022-03-28. Review status: criteria provided, single submitter. Criteria: ACMG Guidelines, 2015. Collection method: clinical testing. Allele origin: unknown.

Literature cited by the submitters: PubMed 26283575 (cited by Ambry Genetics).

NM_001378454.1(ALMS1):c.3545C>T (p.Thr1182Ile)

Gene: ALMS1 (ALMS1 centrosome and basal body associated protein; plus strand). Cytogenetic location: 2p13.1.
Variant type: single nucleotide variant.
Coding change: c.3545C>T on transcript NM_001378454.1 (MANE Select); coding-DNA position 3545, C replaced by T.
Protein change: p.Thr1182Ile; replaces threonine 1182 with isoleucine.
Molecular consequence: missense variant.
Genome position (GRCh38, 1-based): chr2:73,450,072, C>T. VCF-style: chr2-73450072-C-T. GRCh37 (hg19) VCF-style: chr2-73677199-C-T.
Other names: c.3548C>T, p.Thr1183Ile (NM_015120.4); short protein forms T1182I, T1183I.
Identifiers: ClinVar variation 1374502 (VCV001374502.9), dbSNP rs778965893, ClinGen allele CA1713543.